The following is an entry in ClinVar:

NM_198060.4(NRAP):c.994-1G>T

Gene: NRAP (nebulin related anchoring protein; minus strand). Cytogenetic location: 10q25.3.
Variant type: single nucleotide variant.
Coding change: c.994-1G>T on transcript NM_198060.4 (MANE Select); the canonical splice acceptor site of the intron before coding-DNA position 994, G replaced by T.
Molecular consequence: splice acceptor variant.
Genome position (GRCh38, 1-based): chr10:113,645,942, C>A on the plus strand (G>T on the coding strand, the complement: NRAP is on the minus strand). VCF-style: chr10-113645942-C-A. GRCh37 (hg19) VCF-style: chr10-115405701-C-A.
Other names: c.994-1G>T (NM_006175.5, NM_001322945.2, NM_001261463.2).
Identifiers: ClinVar variation 4820403 (VCV004820403.2), dbSNP rs200125797.
Genomic context (GRCh38, chr10:113,645,942, plus strand): 5'-TGGAAGCGAGTGATAATGTGCAGCGCCTTTCATCTTATTGAAGTCCTGCCTGTATTTTAT[C>A]TGAAAAAAAAAACACAAAACGGGGCTGGAGTTGATGTTTCCATGCTCTGGGAGGGGAATT-3'

ClinVar aggregate classification (germline): Conflicting classifications of pathogenicity. Review status: criteria provided, conflicting classifications (1 of 4 stars). 2 submissions from 2 submitters: Likely pathogenic (1); Uncertain significance (1). Last evaluated 2025-10-27.

Conditions:
Cardiovascular phenotype. Identifiers: MedGen CN230736.

gnomAD v4.1: 207 of 1,454,502 alleles (0.014%); highest among the groups gnomAD compares: Middle Eastern, 0.052%; no homozygotes.

Submissions (2):

Molecular Diagnostic Laboratory for Inherited Cardiovascular Disease, Montreal Heart Institute
Classification: Likely pathogenic for Cardiovascular phenotype. Last evaluated: 2025-10-27. Review status: criteria provided, single submitter. Criteria: ACMG Guidelines, 2015. Collection method: clinical testing. Allele origin: germline. Affected: yes.
Comment: PVS1_strong, PM2

Blueprint Genetics
Classification: Uncertain significance. Last evaluated: 2024-08-07. Review status: criteria provided, single submitter. Criteria: ACMG Guidelines, 2015. Collection method: clinical testing. Allele origin: germline.